The following is an entry in ClinVar:

NM_001197104.2(KMT2A):c.7957A>G (p.Ser2653Gly)

Gene: KMT2A (lysine methyltransferase 2A; plus strand). Cytogenetic location: 11q23.3.
Variant type: single nucleotide variant.
Coding change: c.7957A>G on transcript NM_001197104.2 (MANE Select); coding-DNA position 7957, A replaced by G.
Protein change: p.Ser2653Gly; replaces serine 2653 with glycine.
Molecular consequence: missense variant.
Genome position (GRCh38, 1-based): chr11:118,503,849, A>G. VCF-style: chr11-118503849-A-G. GRCh37 (hg19) VCF-style: chr11-118374564-A-G.
Other names: c.8047A>G, p.Ser2683Gly (NM_001412597.1); c.7948A>G, p.Ser2650Gly (NM_005933.4); short protein forms S2653G, S2683G, S2650G.
Identifiers: ClinVar variation 2854337 (VCV002854337.3), dbSNP rs2497004775, ClinGen allele CA382807986.

ClinVar aggregate classification (germline): Uncertain significance (1 of 4 stars; one submission).

Submission:

Labcorp Genetics (formerly Invitae), Labcorp
Classification: Uncertain significance. Last evaluated: 2025-12-17. Review status: criteria provided, single submitter. Criteria: Invitae Variant Classification Sherloc (09022015). Collection method: clinical testing. Allele origin: germline.
Comment: This sequence change replaces serine, which is neutral and polar, with glycine, which is neutral and non-polar, at codon 2653 of the KMT2A protein (p.Ser2653Gly). This variant is not present in population databases (gnomAD no frequency). This variant has not been reported in the literature in individuals affected with KMT2A-related conditions. ClinVar contains an entry for this variant (Variation ID: 2854337). Invitae Evidence Modeling of protein sequence and biophysical properties (such as structural, functional, and spatial information, amino acid conservation, physicochemical variation, residue mobility, and thermodynamic stability) indicates that this missense variant is not expected to disrupt KMT2A protein function with a negative predictive value of 95%. In summary, the available evidence is currently insufficient to determine the role of this variant in disease. Therefore, it has been classified as a Variant of Uncertain Significance.